The following is an entry in ClinVar:

ClinVar aggregate classification (germline): Uncertain significance. Review status: criteria provided, multiple submitters, no conflicts (2 of 4 stars). 3 submissions from 3 submitters: Uncertain significance (2). 1 of the submissions does not count toward it. Last evaluated 2022-09-07.

Conditions:
Ehlers-Danlos syndrome (EDS). Identifiers: Orphanet 98249, MedGen C0013720, MONDO:0020066.
Ehlers-Danlos syndrome, dermatosparaxis type. Also called: EDS VIIC; Dermatosparaxis; Ehlers-Danlos syndrome, type VII, autosomal recessive. Identifiers: Orphanet 1901, MedGen C2700425, MONDO:0009161, OMIM 225410.

Allele frequency attached by ClinVar (database versions not stated): ExAC 0.00002; gnomAD exomes 0.00003; gnomAD 0.00004; TOPMed 0.00004.
gnomAD v4.1: 46 of 1,613,838 alleles (0.0029%); highest among the groups gnomAD compares: African/African-American, 0.0093%; no homozygotes.

Submissions (3):

Labcorp Genetics (formerly Invitae), Labcorp
Classification: Uncertain significance for Ehlers-Danlos syndrome, dermatosparaxis type. Last evaluated: 2022-09-07. Review status: criteria provided, single submitter. Criteria: Invitae Variant Classification Sherloc (09022015). Collection method: clinical testing. Allele origin: germline.
Comment: This sequence change replaces valine, which is neutral and non-polar, with isoleucine, which is neutral and non-polar, at codon 765 of the ADAMTS2 protein (p.Val765Ile). This variant is present in population databases (rs777314559, gnomAD 0.008%). This variant has not been reported in the literature in individuals affected with ADAMTS2-related conditions. ClinVar contains an entry for this variant (Variation ID: 537403). Algorithms developed to predict the effect of missense changes on protein structure and function output the following: SIFT: "Tolerated"; PolyPhen-2: "Benign"; Align-GVGD: "Class C0". The isoleucine amino acid residue is found in multiple mammalian species, which suggests that this missense change does not adversely affect protein function. In summary, the available evidence is currently insufficient to determine the role of this variant in disease. Therefore, it has been classified as a Variant of Uncertain Significance.

Genome Diagnostics Laboratory, The Hospital for Sick Children
Classification: Uncertain significance for Ehlers-Danlos syndrome. Last evaluated: 2021-08-09. Review status: criteria provided, single submitter. Criteria: ACMG Guidelines, 2015. Collection method: clinical testing. Allele origin: germline.

Natera, Inc.
Classification: Uncertain significance for Ehlers-Danlos syndrome type VIIC. Last evaluated: 2019-10-28. Review status: no assertion criteria provided. Collection method: clinical testing. Allele origin: germline. Not counted in ClinVar's aggregate classification.

NM_014244.5(ADAMTS2):c.2293G>A (p.Val765Ile)

Gene: ADAMTS2 (ADAM metallopeptidase with thrombospondin type 1 motif 2; minus strand). Cytogenetic location: 5q35.3.
Variant type: single nucleotide variant.
Coding change: c.2293G>A on transcript NM_014244.5 (MANE Select); coding-DNA position 2293, G replaced by A.
Protein change: p.Val765Ile; replaces valine 765 with isoleucine.
Molecular consequence: missense variant.
Genome position (GRCh38, 1-based): chr5:179,130,096, C>T on the plus strand (G>A on the coding strand, the complement: ADAMTS2 is on the minus strand). VCF-style: chr5-179130096-C-T. GRCh37 (hg19) VCF-style: chr5-178557097-C-T.
Other names: short protein forms V765I.
Identifiers: ClinVar variation 537403 (VCV000537403.7), dbSNP rs777314559, ClinGen allele CA3595587.